The following is an entry in ClinVar:

NM_000204.5(CFI):c.772+61G>A

Gene: CFI (complement factor I; minus strand). Cytogenetic location: 4q25.
Variant type: single nucleotide variant.
Coding change: c.772+61G>A on transcript NM_000204.5 (MANE Select); 61 bases into the intron after coding-DNA position 772, G replaced by A.
Molecular consequence: intron variant.
Genome position (GRCh38, 1-based): chr4:109,760,462, C>T on the plus strand (G>A on the coding strand, the complement: CFI is on the minus strand). VCF-style: chr4-109760462-C-T. GRCh37 (hg19) VCF-style: chr4-110681618-C-T.
Other names: c.772+61G>A (NM_001375282.1, NM_001375280.1, NM_001375281.1 and 5 more transcripts); c.163+61G>A (NM_001375284.1).
Identifiers: ClinVar variation 1209766 (VCV001209766.6), dbSNP rs4382037, ClinGen allele CA103695465.

ClinVar aggregate classification (germline): Benign. Review status: criteria provided, multiple submitters, no conflicts (2 of 4 stars). 4 submissions from 4 submitters: Benign (4). Last evaluated 2025-09-26.

Conditions:
Factor I deficiency (CFID). Also called: Complement factor I deficiency. Identifiers: Orphanet 200418, MedGen C3463916, MONDO:0012594, OMIM 610984.
CFI-related disorder. Also called: CFI-related condition; CFI-related disorders. Identifiers: MedGen CN239325.

Allele frequency attached by ClinVar (database versions not stated): TOPMed 0.96479; 1000 Genomes Project 30x 0.96596; 1000 Genomes Project 0.96685; gnomAD 0.96727 and 0.96948; gnomAD exomes 0.99700.
gnomAD v4.1: 1,491,344 of 1,500,260 alleles (99%); highest among the groups gnomAD compares: East Asian, 100%; 741,645 homozygotes.

Submissions (4):

Genomenon, Inc
Classification: Benign for CFI-related disorder. Last evaluated: 2025-09-26. Review status: criteria provided, single submitter. Criteria: Genomenon Sequence Variant Interpretation Standards - Updated. Collection method: curation. Allele origin: germline. Affected: no.
Comment: CFI c.772+61G>A is an intronic variant located in intron 5. This variant is present at high allele frequency in population databases. In conclusion, we classify CFI c.772+61G>A as a benign variant.

Genome-Nilou Lab
Classification: Benign for Factor I deficiency. Last evaluated: 2021-07-22. Review status: criteria provided, single submitter. Criteria: ACMG Guidelines, 2015. Collection method: clinical testing. Allele origin: germline. Affected: no.

GeneDx
Classification: Benign. Last evaluated: 2021-06-18. Review status: criteria provided, single submitter. Criteria: GeneDx Variant Classification Process June 2021. Collection method: clinical testing. Allele origin: germline. Affected: yes.

Breakthrough Genomics
Classification: Benign. Review status: criteria provided, single submitter. Criteria: ACMG Guidelines, 2015. Collection method: not provided. Allele origin: germline. Inheritance: Autosomal recessive inheritance. Affected: yes.